The following is an entry in ClinVar:

NM_015001.3(SPEN):c.2138G>A (p.Arg713Gln)

Gene: SPEN (spen family transcriptional repressor; plus strand). Cytogenetic location: 1p36.13.
Variant type: single nucleotide variant.
Coding change: c.2138G>A on transcript NM_015001.3 (MANE Select); coding-DNA position 2138, G replaced by A.
Protein change: p.Arg713Gln; replaces arginine 713 with glutamine.
Molecular consequence: missense variant.
Genome position (GRCh38, 1-based): chr1:15,928,378, G>A. VCF-style: chr1-15928378-G-A. GRCh37 (hg19) VCF-style: chr1-16254873-G-A.
Other names: short protein forms R713Q.
Identifiers: ClinVar variation 2662110 (VCV002662110.1), dbSNP rs867088456, ClinGen allele CA18276644.
Genomic context (GRCh38, chr1:15,928,378, plus strand): 5'-GGGAATATAGTTACAGGCAAAGGGAACGAGAAAGAGAACGTGAAAGATTTGAGTCTGACC[G>A]GGACAGAGACCATGAGAGGAGGCCGATTGAACGAAGTCAAAGTCCTGTTCACTTGCGACG-3'
Protein context (NP_055816.2, residues 703-723): ERERERFESD[Arg713Gln]DRDHERRPIE

ClinVar aggregate classification (germline): Uncertain significance (1 of 4 stars; one submission).

Allele frequency attached by ClinVar (database versions not stated): gnomAD exomes below 0.00001.
gnomAD v4.1: 2 of 1,614,142 alleles (0.00012%); highest among the groups gnomAD compares: Non-Finnish European, 0.00017%; no homozygotes.

Submission:

GeneDx
Classification: Uncertain significance. Last evaluated: 2023-03-20. Review status: criteria provided, single submitter. Criteria: GeneDx Variant Classification Process June 2021. Collection method: clinical testing. Allele origin: germline. Affected: yes.
Comment: Not observed at significant frequency in large population cohorts (gnomAD); In silico analysis supports that this missense variant does not alter protein structure/function; Has not been previously published as pathogenic or benign to our knowledge